The following is an entry in ClinVar:

ClinVar aggregate classification (germline): Pathogenic (1 of 4 stars; one submission).

Conditions:
Hereditary cancer-predisposing syndrome. Also called: Neoplastic Syndromes, Hereditary; Tumor predisposition; Hereditary Cancer Syndrome; Hereditary neoplastic syndrome. Identifiers: Orphanet 140162, MedGen C0027672, MeSH D009386, MONDO:0015356.

Submission:

Ambry Genetics
Classification: Pathogenic for Hereditary cancer-predisposing syndrome. Last evaluated: 2024-10-03. Review status: criteria provided, single submitter. Criteria: Ambry Variant Classification Scheme 2023. Collection method: clinical testing. Allele origin: germline.
Comment: The c.2551dupA variant, located in coding exon 25 of the RB1 gene, results from a duplication of A at nucleotide position 2551, causing a translational frameshift with a predicted alternate stop codon (p.M851Nfs*4). This variant is considered to be rare based on population cohorts in the Genome Aggregation Database (gnomAD). This alteration is expected to result in loss of function by premature protein truncation or nonsense-mediated mRNA decay. As such, this alteration is interpreted as a disease-causing mutation.

NM_000321.3(RB1):c.2551dup (p.Met851fs)

Gene: RB1 (RB transcriptional corepressor 1; plus strand). Cytogenetic location: 13q14.2.
Variant type: Duplication.
Coding change: c.2551dup on transcript NM_000321.3 (MANE Select); coding-DNA position 2551, one base duplicated (A; older notation c.2551dupA).
Protein change: p.Met851fs; shifts the reading frame from methionine 851.
Molecular consequence: frameshift variant. On other transcripts: initiator codon variant (1).
Genome position (GRCh38, 1-based): chr13:48,476,731, A duplicated. VCF-style (leftmost placement, unchanged base first): chr13-48476730-G-GA. GRCh37 (hg19) VCF-style: chr13-49050866-G-GA.
Other names: c.2551dupA (NM_000321.2); c.2551dup, p.Met851fs (NM_001407165.1); c.1dup, p.Met1fs (NM_001407168.1); short protein forms M851fs, M1fs.
Identifiers: ClinVar variation 3430888 (VCV003430888.1).